The following is an entry in ClinVar:

ClinVar aggregate classification (germline): no classifications from unflagged records (0 of 4 stars; one submission).

Conditions:
Human immunodeficiency virus type 1, rapid disease progression with infection by. Identifiers: MedGen C4016387.

Allele frequency attached by ClinVar (database versions not stated): gnomAD 0.16251 and 0.16178; 1000 Genomes Project 30x 0.18410; 1000 Genomes Project 0.18530; TOPMed 0.17115.
gnomAD v4.1: 24,726 of 152,178 alleles (16%); highest among the groups gnomAD compares: East Asian, 33%; 2,242 homozygotes.

Submission:

OMIM
Classification: Pathogenic for HUMAN IMMUNODEFICIENCY VIRUS TYPE 1, RAPID DISEASE PROGRESSION WITH INFECTION BY. Last evaluated: 2002-07-23. Review status: flagged submission. Collection method: literature only. Allele origin: germline.
ClinVar note: Notes: This phenotype is not a monogenic disease. The terms P/LP are not appropriate.
ClinVar note: Reason: Other

Literature cited by the submitters: PubMed 12114533.

NM_002985.3(CCL5):c.76+231T>C

Genes: CCL5 (C-C motif chemokine ligand 5; minus strand), CCL5-AS1 (CCL5 regulatory antisense RNA 1; plus strand). Cytogenetic location: 17q12.
Variant type: single nucleotide variant.
Coding change: c.76+231T>C on transcript NM_002985.3 (MANE Select); 231 bases into the intron after coding-DNA position 76, T replaced by C.
Molecular consequence: intron variant.
Genome position (GRCh38, 1-based): chr17:35,879,999, A>G on the plus strand (T>C on the coding strand, the complement: CCL5 is on the minus strand). VCF-style: chr17-35879999-A-G. GRCh37 (hg19) VCF-style: chr17-34207003-A-G.
Other names: In1.1T/C; 168923, T/C; c.76+231T>C (NM_001278736.2).
Identifiers: ClinVar variation 12740 (VCV000012740.2), dbSNP rs2280789, ClinGen allele CA290054452.